The following is an entry in ClinVar:

ClinVar aggregate classification (germline): Uncertain significance (1 of 4 stars; one submission).

Conditions:
Optic atrophy 3 (OPA3). Also called: OPTIC ATROPHY 3, AUTOSOMAL DOMINANT; Optic atrophy, cataract, and neurologic disorder; Optic atrophy 3 with cataract. Identifiers: Orphanet 67036, MedGen C1833809, MONDO:0008133, OMIM 165300.
3-Methylglutaconic aciduria type 3 (MGCA3). Also called: OPA3, AUTOSOMAL RECESSIVE; OPTIC ATROPHY 3, AUTOSOMAL RECESSIVE; OPA3-Related 3-Methylglutaconic Aciduria; Costeff Syndrome. Identifiers: Orphanet 67047, MedGen C0574084, MONDO:0009787, OMIM 258501.

gnomAD v4.1: 3 of 1,610,416 alleles (0.00019%); highest among the groups gnomAD compares: African/African-American, 0.0013%; no homozygotes.

Submission:

Labcorp Genetics (formerly Invitae), Labcorp
Classification: Uncertain significance for 3-Methylglutaconic aciduria type 3; Optic atrophy 3. Last evaluated: 2025-08-14. Review status: criteria provided, single submitter. Criteria: Invitae Variant Classification Sherloc (09022015). Collection method: clinical testing. Allele origin: germline.
Comment: This sequence change replaces glutamic acid, which is acidic and polar, with glutamine, which is neutral and polar, at codon 150 of the OPA3 protein (p.Glu150Gln). This variant is present in population databases (no rsID available, gnomAD 0.007%). This variant has not been reported in the literature in individuals affected with OPA3-related conditions. ClinVar contains an entry for this variant (Variation ID: 2147398). An algorithm developed to predict the effect of missense changes on protein structure and function (PolyPhen-2) suggests that this variant is likely to be tolerated. In summary, the available evidence is currently insufficient to determine the role of this variant in disease. Therefore, it has been classified as a Variant of Uncertain Significance.

NM_025136.4(OPA3):c.448G>C (p.Glu150Gln)

Genes: OPA3 (outer mitochondrial membrane lipid metabolism regulator OPA3; minus strand), OPA3-RTN2 (OPA3-RTN2 readthrough; minus strand). Cytogenetic location: 19q13.32.
Variant type: single nucleotide variant.
Coding change: c.448G>C on transcript NM_025136.4 (MANE Select); coding-DNA position 448, G replaced by C.
Protein change: p.Glu150Gln; replaces glutamic acid 150 with glutamine.
Molecular consequence: missense variant. On other transcripts: intron variant (1).
Genome position (GRCh38, 1-based): chr19:45,553,606, C>G on the plus strand (G>C on the coding strand, the complement: OPA3 is on the minus strand). VCF-style: chr19-45553606-C-G. GRCh37 (hg19) VCF-style: chr19-46056864-C-G.
Other names: c.143-24150G>C (NM_001017989.3); short protein forms E150Q.
Identifiers: ClinVar variation 2147398 (VCV002147398.4), dbSNP rs1186341968, ClinGen allele CA406369944.